The following is an entry in ClinVar:

NM_004371.4(COPA):c.617G>A (p.Arg206His)

Gene: COPA (coat protein complex I subunit alpha; minus strand). Cytogenetic location: 1q23.2.
Variant type: single nucleotide variant.
Coding change: c.617G>A on transcript NM_004371.4 (MANE Select); coding-DNA position 617, G replaced by A.
Protein change: p.Arg206His; replaces arginine 206 with histidine.
Molecular consequence: missense variant.
Genome position (GRCh38, 1-based): chr1:160,323,520, C>T on the plus strand (G>A on the coding strand, the complement: COPA is on the minus strand). VCF-style: chr1-160323520-C-T. GRCh37 (hg19) VCF-style: chr1-160293310-C-T.
Other names: c.617G>A, p.Arg206His (NM_001098398.2); short protein forms R206H.
Identifiers: ClinVar variation 959600 (VCV000959600.7), dbSNP rs934972773, ClinGen allele CA31517997.

ClinVar aggregate classification (germline): Uncertain significance (1 of 4 stars; one submission).

Conditions:
Autoimmune interstitial lung disease-arthritis syndrome. Also called: Autoinflammation and autoimmunity, systemic, with immune dysregulation. Identifiers: Orphanet 444092, MedGen C5975714, MONDO:0014629.

Allele frequency attached by ClinVar (database versions not stated): gnomAD exomes below 0.00001.

Submission:

Labcorp Genetics (formerly Invitae), Labcorp
Classification: Uncertain significance for Autoimmune interstitial lung disease-arthritis syndrome. Last evaluated: 2024-05-04. Review status: criteria provided, single submitter. Criteria: Invitae Variant Classification Sherloc (09022015). Collection method: clinical testing. Allele origin: germline.
Comment: This sequence change replaces arginine, which is basic and polar, with histidine, which is basic and polar, at codon 206 of the COPA protein (p.Arg206His). This variant is not present in population databases (gnomAD no frequency). This variant has not been reported in the literature in individuals affected with COPA-related conditions. ClinVar contains an entry for this variant (Variation ID: 959600). Advanced modeling of protein sequence and biophysical properties (such as structural, functional, and spatial information, amino acid conservation, physicochemical variation, residue mobility, and thermodynamic stability) performed at Invitae indicates that this missense variant is expected to disrupt COPA protein function with a positive predictive value of 80%. In summary, the available evidence is currently insufficient to determine the role of this variant in disease. Therefore, it has been classified as a Variant of Uncertain Significance.